The following is an entry in ClinVar:

NM_014425.5(INVS):c.2752A>G (p.Lys918Glu)

Gene: INVS (inversin; plus strand). Cytogenetic location: 9q31.1.
Variant type: single nucleotide variant.
Coding change: c.2752A>G on transcript NM_014425.5 (MANE Select); coding-DNA position 2752, A replaced by G.
Protein change: p.Lys918Glu; replaces lysine 918 with glutamic acid.
Molecular consequence: missense variant. On other transcripts: non-coding transcript variant (1).
Genome position (GRCh38, 1-based): chr9:100,293,009, A>G. VCF-style: chr9-100293009-A-G. GRCh37 (hg19) VCF-style: chr9-103055291-A-G.
Other names: c.2464A>G, p.Lys822Glu (NM_001318381.2); c.1774A>G, p.Lys592Glu (NM_001318382.2); short protein forms K918E, K592E, K822E.
Identifiers: ClinVar variation 2062479 (VCV002062479.4), dbSNP rs1246028510, ClinGen allele CA374244427.
Genomic context (GRCh38, chr9:100,293,009, plus strand): 5'-CTCCGACTGCAGATAATTCAGAGAGAACGAAGGAGGAAGGAGCTGTTTCGCAAAAAGAAC[A>G]AGGCAGCAGCAGTCATCCAGCGCGCCTGGCGAAGGTAGGAAAATGGGGTGCTGCCGCATC-3'
Protein context (NP_055240.2, residues 908-928): RRKELFRKKN[Lys918Glu]AAAVIQRAWR

ClinVar aggregate classification (germline): Uncertain significance (1 of 4 stars; one submission).

Conditions:
Nephronophthisis. Also called: Juvenile Nephronophthisis. Identifiers: Orphanet 655, MedGen C0687120, MONDO:0019005, HP:0000090.

Allele frequency attached by ClinVar (database versions not stated): gnomAD 0.00001; gnomAD exomes below 0.00001; TOPMed 0.00002.
gnomAD v4.1: 3 of 1,613,930 alleles (0.00019%); highest among the groups gnomAD compares: African/African-American, 0.004%; no homozygotes.

Submission:

Labcorp Genetics (formerly Invitae), Labcorp
Classification: Uncertain significance for Nephronophthisis. Last evaluated: 2022-05-16. Review status: criteria provided, single submitter. Criteria: Invitae Variant Classification Sherloc (09022015). Collection method: clinical testing. Allele origin: germline.
Comment: In summary, the available evidence is currently insufficient to determine the role of this variant in disease. Therefore, it has been classified as a Variant of Uncertain Significance. Algorithms developed to predict the effect of missense changes on protein structure and function (SIFT, PolyPhen-2, Align-GVGD) all suggest that this variant is likely to be tolerated. This variant has not been reported in the literature in individuals affected with INVS-related conditions. This variant is present in population databases (no rsID available, gnomAD 0.01%). This sequence change replaces lysine, which is basic and polar, with glutamic acid, which is acidic and polar, at codon 918 of the INVS protein (p.Lys918Glu).